The following is an entry in ClinVar:

NM_000396.4(CTSK):c.675del (p.Glu226fs)

Gene: CTSK (cathepsin K; minus strand). Cytogenetic location: 1q21.3.
Variant type: Deletion.
Coding change: c.675del on transcript NM_000396.4 (MANE Select); coding-DNA position 675, one base deleted (A; older notation c.675delA).
Protein change: p.Glu226fs; shifts the reading frame from glutamic acid 226.
Molecular consequence: frameshift variant.
Genome position (GRCh38, 1-based): chr1:150,799,653, T deleted on the plus strand (A on the coding strand, the reverse complement: CTSK is on the minus strand). VCF-style (leftmost placement, unchanged base first): chr1-150799652-CT-C. GRCh37 (hg19) VCF-style: chr1-150772128-CT-C.
Other names: short protein forms E226fs.
Identifiers: ClinVar variation 5012916 (VCV005012916.1).
Genomic context (GRCh38, chr1:150,799,652, plus strand): 5'-AGACAGGTCCCACTCGGGCCACTGCCCTCTTCAGGGCTTTCTCATTCCCCTCGGGGATCT[CT>C]CTGTACCCTCTGCATTTAGCTGCCTTGCCTGTTGGGTTGTACATACAACTCTCTTCCTGG-3'

ClinVar aggregate classification (germline): Pathogenic (1 of 4 stars; one submission).

Conditions:
Pyknodysostosis. Also called: Pycnodysostosis. Identifiers: Orphanet 763, MedGen C0238402, MONDO:0009940, OMIM 265800.

Submission:

Myriad Genetics, Inc.
Classification: Pathogenic for Pyknodysostosis. Last evaluated: 2024-04-13. Review status: criteria provided, single submitter. Criteria: Myriad Autosomal Dominant, Autosomal Recessive and X-Linked Classification Criteria (2023). Collection method: clinical testing. Allele origin: unknown.
Comment: NM_000396.3(CTSK):c.675delA(E226Rfs*10) is expected to be pathogenic in the context of pycnodysostosis. This variant is predicted to lead to an abnormal or absent protein product due to the creation of a premature termination codon in CTSK, a gene where loss-of-function variants are known to be pathogenic. Please note: this variant was assessed in the context of healthy population screening.